The following is an entry in ClinVar:

NM_001440.4(EXTL3):c.1978del (p.Arg660fs)

Gene: EXTL3 (exostosin like glycosyltransferase 3; plus strand). Cytogenetic location: 8p21.1.
Variant type: Deletion.
Coding change: c.1978del on transcript NM_001440.4 (MANE Select); coding-DNA position 1978, one base deleted (C; older notation c.1978delC).
Protein change: p.Arg660fs; shifts the reading frame from arginine 660.
Molecular consequence: frameshift variant.
Genome position (GRCh38, 1-based): chr8:28,718,037, C deleted; the last of 4 consecutive C bases (chr8:28,718,034-28,718,037); deleting any one gives the same sequence. VCF-style (leftmost placement, unchanged base first): chr8-28718033-TC-T. GRCh37 (hg19) VCF-style: chr8-28575550-TC-T.
Other names: short protein forms R660fs.
Identifiers: ClinVar variation 1347541 (VCV001347541.6), dbSNP rs2130742237, ClinGen allele CA2573142689.

ClinVar aggregate classification (germline): Uncertain significance (1 of 4 stars; one submission).

Submission:

Labcorp Genetics (formerly Invitae), Labcorp
Classification: Uncertain significance. Last evaluated: 2023-08-04. Review status: criteria provided, single submitter. Criteria: Invitae Variant Classification Sherloc (09022015). Collection method: clinical testing. Allele origin: germline.
Comment: This variant has not been reported in the literature in individuals affected with EXTL3-related conditions. This variant is not present in population databases (gnomAD no frequency). This sequence change creates a premature translational stop signal (p.Arg660Glufs*7) in the EXTL3 gene. It is expected to result in an absent or disrupted protein product. However, the current clinical and genetic evidence is not sufficient to establish whether loss-of-function variants in EXTL3 cause disease. ClinVar contains an entry for this variant (Variation ID: 1347541). In summary, the available evidence is currently insufficient to determine the role of this variant in disease. Therefore, it has been classified as a Variant of Uncertain Significance. Experimental studies and prediction algorithms are not available or were not evaluated, and the functional significance of this variant is currently unknown.